The following is an entry in ClinVar:

ClinVar aggregate classification (germline): Uncertain significance. Review status: criteria provided, multiple submitters, no conflicts (2 of 4 stars). 2 submissions from 2 submitters: Uncertain significance (2). Last evaluated 2025-04-17.

Conditions:
Ullrich congenital muscular dystrophy 2 (UCMD2). Identifiers: Orphanet 75840, MedGen C4225314, MONDO:0014654, OMIM 616470.
Bethlem myopathy 2 (BTHLM2). Identifiers: Orphanet 536516, Orphanet 610, MedGen C4225313, MONDO:0034022, OMIM 616471.

Allele frequency attached by ClinVar (database versions not stated): gnomAD 0.00001; gnomAD exomes 0.00001 and 0.00002; ExAC 0.00002; TOPMed below 0.00001.

Submissions (2):

Labcorp Genetics (formerly Invitae), Labcorp
Classification: Uncertain significance for Bethlem myopathy 2; Ullrich congenital muscular dystrophy 2. Last evaluated: 2025-04-17. Review status: criteria provided, single submitter. Criteria: Invitae Variant Classification Sherloc (09022015). Collection method: clinical testing. Allele origin: germline.
Comment: This sequence change replaces valine, which is neutral and non-polar, with methionine, which is neutral and non-polar, at codon 678 of the COL12A1 protein (p.Val678Met). This variant is present in population databases (rs749609293, gnomAD 0.004%). This variant has not been reported in the literature in individuals affected with COL12A1-related conditions. ClinVar contains an entry for this variant (Variation ID: 1438199). Invitae Evidence Modeling of protein sequence and biophysical properties (such as structural, functional, and spatial information, amino acid conservation, physicochemical variation, residue mobility, and thermodynamic stability) indicates that this missense variant is not expected to disrupt COL12A1 protein function with a negative predictive value of 80%. In summary, the available evidence is currently insufficient to determine the role of this variant in disease. Therefore, it has been classified as a Variant of Uncertain Significance.

Mayo Clinic Laboratories, Mayo Clinic
Classification: Uncertain significance. Last evaluated: 2024-02-26. Review status: criteria provided, single submitter. Criteria: ACMG Guidelines, 2015. Collection method: clinical testing. Allele origin: germline. Observed: 1 variant allele.
Comment: BP4

NM_004370.6(COL12A1):c.2032G>A (p.Val678Met)

Gene: COL12A1 (collagen type XII alpha 1 chain; minus strand). Cytogenetic location: 6q13.
Variant type: single nucleotide variant.
Coding change: c.2032G>A on transcript NM_004370.6 (MANE Select); coding-DNA position 2032, G replaced by A.
Protein change: p.Val678Met; replaces valine 678 with methionine.
Molecular consequence: missense variant. On other transcripts: intron variant (1).
Genome position (GRCh38, 1-based): chr6:75,181,071, C>T on the plus strand (G>A on the coding strand, the complement: COL12A1 is on the minus strand). VCF-style: chr6-75181071-C-T. GRCh37 (hg19) VCF-style: chr6-75890787-C-T.
Other names: p.Val678Met; c.73+21649G>A (NM_080645.3); short protein forms V678M.
Identifiers: ClinVar variation 1438199 (VCV001438199.9), dbSNP rs749609293, ClinGen allele CA3894079.